The following is an entry in ClinVar:

NM_015512.5(DNAH1):c.4040C>T (p.Thr1347Met)

Gene: DNAH1 (dynein axonemal heavy chain 1; plus strand). Cytogenetic location: 3p21.1.
Variant type: single nucleotide variant.
Coding change: c.4040C>T on transcript NM_015512.5 (MANE Select); coding-DNA position 4040, C replaced by T.
Protein change: p.Thr1347Met; replaces threonine 1347 with methionine.
Molecular consequence: missense variant.
Genome position (GRCh38, 1-based): chr3:52,357,957, C>T. VCF-style: chr3-52357957-C-T. GRCh37 (hg19) VCF-style: chr3-52391973-C-T.
Other names: short protein forms T1347M.
Identifiers: ClinVar variation 2149771 (VCV002149771.1), dbSNP rs534895761, ClinGen allele CA74747854.

ClinVar aggregate classification (germline): Uncertain significance (1 of 4 stars; one submission).

Conditions:
Spermatogenic failure 18. Identifiers: MedGen C4539783, MONDO:0054615, OMIM 617576.
Ciliary dyskinesia, primary, 37 (CILD37). Also called: CILIARY DYSKINESIA, PRIMARY, 37, WITH OR WITHOUT SITUS INVERSUS. Identifiers: MedGen C4539798, MONDO:0033204, OMIM 617577.

Allele frequency attached by ClinVar (database versions not stated): gnomAD 0.00010.
gnomAD v4.1: 23 of 1,612,968 alleles (0.0014%); highest among the groups gnomAD compares: African/African-American, 0.0053%; no homozygotes.

Submission:

Labcorp Genetics (formerly Invitae), Labcorp
Classification: Uncertain significance for Ciliary dyskinesia, primary, 37; Spermatogenic failure 18. Last evaluated: 2022-06-28. Review status: criteria provided, single submitter. Criteria: Invitae Variant Classification Sherloc (09022015). Collection method: clinical testing. Allele origin: germline.
Comment: This sequence change replaces threonine, which is neutral and polar, with methionine, which is neutral and non-polar, at codon 1347 of the DNAH1 protein (p.Thr1347Met). This variant is present in population databases (rs534895761, gnomAD 0.01%). This variant has not been reported in the literature in individuals affected with DNAH1-related conditions. Algorithms developed to predict the effect of missense changes on protein structure and function output the following: SIFT: "Deleterious"; PolyPhen-2: "Benign"; Align-GVGD: "Class C65". The methionine amino acid residue is found in multiple mammalian species, which suggests that this missense change does not adversely affect protein function. In summary, the available evidence is currently insufficient to determine the role of this variant in disease. Therefore, it has been classified as a Variant of Uncertain Significance.